The following is an entry in ClinVar:

NM_005257.6(GATA6):c.806C>G (p.Pro269Arg)

Gene: GATA6 (GATA binding protein 6; plus strand). Cytogenetic location: 18q11.2.
Variant type: single nucleotide variant.
Coding change: c.806C>G on transcript NM_005257.6 (MANE Select); coding-DNA position 806, C replaced by G.
Protein change: p.Pro269Arg; replaces proline 269 with arginine.
Molecular consequence: missense variant.
Genome position (GRCh38, 1-based): chr18:22,171,950, C>G. VCF-style: chr18-22171950-C-G. GRCh37 (hg19) VCF-style: chr18-19751911-C-G.
Other names: short protein forms P269R.
Identifiers: ClinVar variation 2108849 (VCV002108849.4), dbSNP rs1465925778, ClinGen allele CA401800902.

ClinVar aggregate classification (germline): Uncertain significance (1 of 4 stars; one submission).

Conditions:
Atrioventricular septal defect 5 (AVSD5). Identifiers: MedGen C3280939, MONDO:0013769, OMIM 614474.

gnomAD v4.1: 1 of 1,198,276 alleles (0.000083%); highest among the groups gnomAD compares: African/African-American, 0.0016%; no homozygotes.

Submission:

Labcorp Genetics (formerly Invitae), Labcorp
Classification: Uncertain significance for Atrioventricular septal defect 5. Last evaluated: 2022-10-17. Review status: criteria provided, single submitter. Criteria: Invitae Variant Classification Sherloc (09022015). Collection method: clinical testing. Allele origin: germline.
Comment: This sequence change replaces proline, which is neutral and non-polar, with arginine, which is basic and polar, at codon 269 of the GATA6 protein (p.Pro269Arg). This variant is not present in population databases (gnomAD no frequency). This variant has not been reported in the literature in individuals affected with GATA6-related conditions. Advanced modeling of protein sequence and biophysical properties (such as structural, functional, and spatial information, amino acid conservation, physicochemical variation, residue mobility, and thermodynamic stability) performed at Invitae indicates that this missense variant is expected to disrupt GATA6 protein function. In summary, the available evidence is currently insufficient to determine the role of this variant in disease. Therefore, it has been classified as a Variant of Uncertain Significance.